The following is an entry in ClinVar:

NM_021224.6(ZNF462):c.5417A>T (p.Tyr1806Phe)

Gene: ZNF462 (zinc finger protein 462; plus strand). Cytogenetic location: 9q31.2.
Variant type: single nucleotide variant.
Coding change: c.5417A>T on transcript NM_021224.6 (MANE Select); coding-DNA position 5417, A replaced by T.
Protein change: p.Tyr1806Phe; replaces tyrosine 1806 with phenylalanine.
Molecular consequence: missense variant. On other transcripts: intron variant (1).
Genome position (GRCh38, 1-based): chr9:106,929,329, A>T. VCF-style: chr9-106929329-A-T. GRCh37 (hg19) VCF-style: chr9-109691610-A-T.
Other names: c.3253-1196A>T (NM_001347997.2); short protein forms Y1806F.
Identifiers: ClinVar variation 4993076 (VCV004993076.1).
Genomic context (GRCh38, chr9:106,929,329, plus strand): 5'-ACATGAAACGCCACCCAGGGGTGTTCCCAAAGAAGCAGCACGCCAGCAAGTTGGGGGGCT[A>T]CTTCACGGCCGTCTATGCAGATGAGCATGAGAAGCCCACACTGATGGAAGAAGAGGAGAG-3'
Protein context (NP_067047.4, residues 1796-1816): KKQHASKLGG[Tyr1806Phe]FTAVYADEHE

ClinVar aggregate classification (germline): Uncertain significance (1 of 4 stars; one submission).

Conditions:
ZNF462-related disorder. Also called: ZNF462-related condition; ZNF462 related disease.

Submission:

PreventionGenetics, part of Exact Sciences
Classification: Uncertain significance for ZNF462-related condition. Last evaluated: 2025-10-24. Review status: criteria provided, single submitter. Criteria: ACMG Guidelines, 2015. Collection method: clinical testing. Allele origin: germline.
Comment: The ZNF462 c.5417A>T variant is predicted to result in the amino acid substitution p.Tyr1806Phe. To our knowledge, this variant has not been reported in the literature or in a large population database (gnomAD), indicating this variant is rare. At this time, the clinical significance of this variant is uncertain due to the absence of conclusive functional and genetic evidence.